The following is an entry in ClinVar:

ClinVar aggregate classification (germline): Likely benign. Review status: criteria provided, multiple submitters, no conflicts (2 of 4 stars). 2 submissions from 2 submitters: Likely benign (2). Last evaluated 2023-03-14.

Conditions:
Chondrodysplasia punctata, brachytelephalangic, autosomal. Also called: BRACHYTELEPHALANGIC CHONDRODYSPLASIA PUNCTATA. Identifiers: MedGen C1844853, MONDO:0011238, OMIM 602497.

Allele frequency attached by ClinVar (database versions not stated): TOPMed below 0.00001; gnomAD 0.00001; gnomAD exomes 0.00001.

Submissions (2):

Labcorp Genetics (formerly Invitae), Labcorp
Classification: Likely benign for Chondrodysplasia punctata, brachytelephalangic, autosomal. Last evaluated: 2023-03-14. Review status: criteria provided, single submitter. Criteria: Invitae Variant Classification Sherloc (09022015). Collection method: clinical testing. Allele origin: germline.

GeneDx
Classification: Likely benign. Last evaluated: 2016-08-15. Review status: criteria provided, single submitter. Criteria: GeneDx Variant Classification (06012015). Collection method: clinical testing. Allele origin: germline. Affected: yes.
Comment: This variant is considered likely benign or benign based on one or more of the following criteria: it is a conservative change, it occurs at a poorly conserved position in the protein, it is predicted to be benign by multiple in silico algorithms, and/or has population frequency not consistent with disease.

NM_000047.3(ARSL):c.1686G>C (p.Leu562=)

Gene: ARSL (arylsulfatase L; minus strand). Cytogenetic location: Xp22.33.
Variant type: single nucleotide variant.
Coding change: c.1686G>C on transcript NM_000047.3 (MANE Select); coding-DNA position 1686, G replaced by C.
Protein change: p.Leu562=; no amino-acid change (leucine 562 retained).
Molecular consequence: synonymous variant.
Genome position (GRCh38, 1-based): chrX:2,934,916, C>G on the plus strand (G>C on the coding strand, the complement: ARSL is on the minus strand). VCF-style: chrX-2934916-C-G. GRCh37 (hg19) VCF-style: chrX-2852957-C-G.
Other names: c.1761G>C, p.Leu587= (NM_001282628.2, NM_001369080.1); c.1524G>C, p.Leu508= (NM_001282631.2); c.1713G>C, p.Leu571= (NM_001369079.1).
Identifiers: ClinVar variation 388640 (VCV000388640.4), dbSNP rs1057523183, ClinGen allele CA16608417.